The following is an entry in ClinVar:

ClinVar aggregate classification (germline): Uncertain significance (1 of 4 stars; one submission).

gnomAD v4.1: 6 of 1,614,166 alleles (0.00037%); highest among the groups gnomAD compares: Non-Finnish European, 0.000085%; no homozygotes.

Submission:

GeneDx
Classification: Uncertain significance. Last evaluated: 2024-08-19. Review status: criteria provided, single submitter. Criteria: GeneDx Variant Classification Process June 2021. Collection method: clinical testing. Allele origin: germline. Affected: yes.
Comment: In silico analysis supports that this missense variant has a deleterious effect on protein structure/function; Has not been previously published as pathogenic or benign to our knowledge

NM_004551.3(NDUFS3):c.589C>G (p.Pro197Ala)

Gene: NDUFS3 (NADH:ubiquinone oxidoreductase core subunit S3; plus strand). Cytogenetic location: 11p11.2.
Variant type: single nucleotide variant.
Coding change: c.589C>G on transcript NM_004551.3 (MANE Select); coding-DNA position 589, C replaced by G.
Protein change: p.Pro197Ala; replaces proline 197 with alanine.
Molecular consequence: missense variant.
Genome position (GRCh38, 1-based): chr11:47,582,430, C>G. VCF-style: chr11-47582430-C-G. GRCh37 (hg19) VCF-style: chr11-47603982-C-G.
Other names: short protein forms P197A.
Identifiers: ClinVar variation 3764274 (VCV003764274.1).
Genomic context (GRCh38, chr11:47,582,430, plus strand): 5'-TTCTTTGCTAACCACCCTGATCTAAGAAGGATCCTGACAGATTATGGCTTCGAGGGACAT[C>G]CTTTCCGGAAAGACTTTCCTCTATCTGGCTATGTTGAGGTAGGAGCCTTGGAACTGGGAC-3'
Protein context (NP_004542.1, residues 187-207): ILTDYGFEGH[Pro197Ala]FRKDFPLSGY